The following is an entry in ClinVar:

NM_001199799.2(ILDR1):c.340G>C (p.Gly114Arg)

Gene: ILDR1 (immunoglobulin like domain containing receptor 1; minus strand). Cytogenetic location: 3q13.33.
Variant type: single nucleotide variant.
Coding change: c.340G>C on transcript NM_001199799.2 (MANE Select); coding-DNA position 340, G replaced by C.
Protein change: p.Gly114Arg; replaces glycine 114 with arginine.
Molecular consequence: missense variant.
Genome position (GRCh38, 1-based): chr3:122,005,283, C>G on the plus strand (G>C on the coding strand, the complement: ILDR1 is on the minus strand). VCF-style: chr3-122005283-C-G. GRCh37 (hg19) VCF-style: chr3-121724130-C-G.
Other names: c.340G>C, p.Gly114Arg (NM_001199800.2, NM_175924.4); short protein forms G114R.
Identifiers: ClinVar variation 4686562 (VCV004686562.1).

ClinVar aggregate classification (germline): Uncertain significance (1 of 4 stars; one submission).

Conditions:
Autosomal recessive nonsyndromic hearing loss 42. Identifiers: Orphanet 90636, MedGen C1864818, MONDO:0012326, OMIM 609646.

gnomAD v4.1: 9 of 1,613,756 alleles (0.00056%); highest among the groups gnomAD compares: Non-Finnish European, 0.00068%; no homozygotes.

Submission:

Institute of Human Genetics, University of Goettingen
Classification: Uncertain significance for Autosomal recessive nonsyndromic hearing loss 42. Last evaluated: 2026-01-12. Review status: criteria provided, single submitter. Criteria: ACMG Guidelines, 2015. Collection method: clinical testing. Allele origin: maternal. Inheritance: Autosomal recessive inheritance. Affected: yes. Observed: 1 compound heterozygote.
Comment: The NM_001199799.2(ILDR1):​c.340G>C​(p.Gly114Arg) variant causes a missense change involving the alteration of a conserved nucleotide. The variant allele was found at a frequency of 0.00000558 in 1,613,756 control chromosomes in the GnomAD database, with no homozygous occurrence. In-silico tool (REVEL) predicts a pathogenic outcome for this variant. No clinical diagnostic laboratories have submitted clinical-significance assessments for this variant to ClinVar. Another variant affecting the same amino acid position, but resulting in a different missense (i.e. G114E) has been classified as Uncertain significance.